The following is an entry in ClinVar:

ClinVar aggregate classification (germline): Uncertain significance (1 of 4 stars; one submission).

Submission:

Ambry Genetics
Classification: Uncertain significance. Last evaluated: 2022-10-17. Review status: criteria provided, single submitter. Criteria: Ambry Variant Classification Scheme 2023. Collection method: clinical testing. Allele origin: germline.
Comment: The p.S241C variant (also known as c.722C>G), located in coding exon 5 of the BUB3 gene, results from a C to G substitution at nucleotide position 722. The serine at codon 241 is replaced by cysteine, an amino acid with dissimilar properties. This amino acid position is conserved. In addition, the in silico prediction for this alteration is inconclusive. Since supporting evidence is limited at this time, the clinical significance of this alteration remains unclear.

NM_004725.4(BUB3):c.722C>G (p.Ser241Cys)

Gene: BUB3 (BUB3 mitotic checkpoint protein; plus strand). Cytogenetic location: 10q26.13.
Variant type: single nucleotide variant.
Coding change: c.722C>G on transcript NM_004725.4 (MANE Select); coding-DNA position 722, C replaced by G.
Protein change: p.Ser241Cys; replaces serine 241 with cysteine.
Molecular consequence: missense variant.
Genome position (GRCh38, 1-based): chr10:123,162,381, C>G. VCF-style: chr10-123162381-C-G. GRCh37 (hg19) VCF-style: chr10-124921897-C-G.
Other names: c.722C>G, p.Ser241Cys (NM_001007793.3); short protein forms S241C.
Identifiers: ClinVar variation 1757801 (VCV001757801.2), dbSNP rs1216755165, ClinGen allele CA378626753.